The following is an entry in ClinVar:

NM_001396485.1(NPIPB2):c.1126_1128del (p.Pro376del)

Gene: NPIPB2 (nuclear pore complex interacting protein family member B2; minus strand). Cytogenetic location: 16p13.13.
Variant type: Deletion.
Coding change: c.1126_1128del on transcript NM_001396485.1 (MANE Select); coding-DNA positions 1126 to 1128, 3 bases deleted (CCA; older notation c.1126_1128delCCA).
Protein change: p.Pro376del; deletes proline 376.
Molecular consequence: inframe deletion.
Genome position (GRCh38, 1-based): chr16:11,927,439-11,927,441, TGG deleted on the plus strand (CCA on the coding strand, the reverse complement: NPIPB2 is on the minus strand); deleting any 3 consecutive bases within chr16:11,927,439-11,927,442 gives the same sequence; the c. name uses the placement nearest the transcript's 3' end. VCF-style (leftmost placement, unchanged base first): chr16-11927438-ATGG-A. GRCh37 (hg19) VCF-style: chr16-12021295-ATGG-A.
Other names: c.706_708del, p.Pro236del (NM_001395855.1, NM_001395854.1); c.604_606del, p.Pro202del (NM_001355514.1, NM_001395852.1, NM_001395853.1); short protein forms P202del, P236del, P376del.
Identifiers: ClinVar variation 2646232 (VCV002646232.24), dbSNP rs60347225, ClinGen allele CA7907392.

ClinVar aggregate classification (germline): Likely benign (1 of 4 stars; one submission).

Submission:

CeGaT Center for Human Genetics Tuebingen
Classification: Likely benign. Last evaluated: 2023-07-01. Review status: criteria provided, single submitter. Criteria: CeGaT Center For Human Genetics Tuebingen Variant Classification Criteria Version 2. Collection method: clinical testing. Allele origin: germline. Affected: yes. Observed: 2 variant alleles.
Comment: NPIPB2: BS2